The following is an entry in ClinVar:

ClinVar aggregate classification (germline): Uncertain significance. Review status: criteria provided, multiple submitters, no conflicts (2 of 4 stars). 2 submissions from 2 submitters: Uncertain significance (2). Last evaluated 2025-04-29.

Conditions:
Inborn genetic diseases. Identifiers: MedGen C0950123, MeSH D030342.
Hyperphosphatasia with intellectual disability syndrome 5 (GPIBD11). Also called: GLYCOSYLPHOSPHATIDYLINOSITOL BIOSYNTHESIS DEFECT 11. Identifiers: Orphanet 247262, MedGen C4014958, MONDO:0014457, OMIM 616025.

Allele frequency attached by ClinVar (database versions not stated): gnomAD 0.00001; TOPMed 0.00002; ESP Exome Variant Server 0.00008.
gnomAD v4.1: 2 of 1,583,484 alleles (0.00013%); highest among the groups gnomAD compares: African/African-American, 0.0027%; no homozygotes.

Submissions (2):

Ambry Genetics
Classification: Uncertain significance for Inborn genetic diseases. Last evaluated: 2025-04-29. Review status: criteria provided, single submitter. Criteria: Ambry Variant Classification Scheme 2023. Collection method: clinical testing. Allele origin: germline.

Labcorp Genetics (formerly Invitae), Labcorp
Classification: Uncertain significance for Hyperphosphatasia with intellectual disability syndrome 5. Last evaluated: 2022-11-03. Review status: criteria provided, single submitter. Criteria: Invitae Variant Classification Sherloc (09022015). Collection method: clinical testing. Allele origin: germline.
Comment: In summary, the available evidence is currently insufficient to determine the role of this variant in disease. Therefore, it has been classified as a Variant of Uncertain Significance. Algorithms developed to predict the effect of missense changes on protein structure and function (SIFT, PolyPhen-2, Align-GVGD) all suggest that this variant is likely to be tolerated. This variant has not been reported in the literature in individuals affected with PIGW-related conditions. This variant is not present in population databases (gnomAD no frequency). This sequence change replaces serine, which is neutral and polar, with tyrosine, which is neutral and polar, at codon 2 of the PIGW protein (p.Ser2Tyr).

NM_001346754.2(PIGW):c.5C>A (p.Ser2Tyr)

Genes: MYO19 (myosin XIX; minus strand), PIGW (phosphatidylinositol glycan anchor biosynthesis class W; plus strand). Cytogenetic location: 17q12.
Variant type: single nucleotide variant.
Coding change: c.5C>A on transcript NM_001346754.2 (MANE Select); coding-DNA position 5, C replaced by A.
Protein change: p.Ser2Tyr; replaces serine 2 with tyrosine.
Molecular consequence: missense variant.
Genome position (GRCh38, 1-based): chr17:36,537,106, C>A. VCF-style: chr17-36537106-C-A. GRCh37 (hg19) VCF-style: chr17-34892955-C-A.
Other names: c.5C>A, p.Ser2Tyr (NM_001346755.2, NM_178517.5); c.5C>A (NM_178517.3); short protein forms S2Y.
Identifiers: ClinVar variation 2782353 (VCV002782353.4), dbSNP rs376634596, ClinGen allele CA290115637.